The following is an entry in ClinVar:

NM_001036.6(RYR3):c.2235C>A (p.Cys745Ter)

Gene: RYR3 (ryanodine receptor 3; plus strand). Cytogenetic location: 15q14.
Variant type: single nucleotide variant.
Coding change: c.2235C>A on transcript NM_001036.6 (MANE Select); coding-DNA position 2235, C replaced by A.
Protein change: p.Cys745Ter; replaces cysteine 745 with a stop codon.
Molecular consequence: nonsense.
Genome position (GRCh38, 1-based): chr15:33,613,253, C>A. VCF-style: chr15-33613253-C-A. GRCh37 (hg19) VCF-style: chr15-33905454-C-A.
Other names: c.2235C>A, p.Cys745Ter (NM_001243996.4); short protein forms C745*.
Identifiers: ClinVar variation 653300 (VCV000653300.6), dbSNP rs769453242, ClinGen allele CA391565357.

ClinVar aggregate classification (germline): Uncertain significance (1 of 4 stars; one submission).

Conditions:
Epileptic encephalopathy. Identifiers: MedGen C0543888, HP:0200134.

Submission:

Labcorp Genetics (formerly Invitae), Labcorp
Classification: Uncertain significance for Epileptic encephalopathy. Last evaluated: 2018-12-26. Review status: criteria provided, single submitter. Criteria: Invitae Variant Classification Sherloc (09022015). Collection method: clinical testing. Allele origin: germline.
Comment: This sequence change creates a premature translational stop signal (p.Cys745*) in the RYR3 gene. It is expected to result in an absent or disrupted protein product. In summary, the available evidence is currently insufficient to determine the role of this variant in disease. Therefore, it has been classified as a Variant of Uncertain Significance. The current clinical and genetic evidence is not sufficient to establish whether loss-of-function variants in RYR3 cause disease. This variant has not been reported in the literature in individuals with RYR3-related conditions. This variant is not present in population databases (ExAC no frequency).